The following is an entry in ClinVar:

NM_007294.4(BRCA1):c.5407G>A (p.Gly1803Ser)

Gene: BRCA1 (BRCA1 DNA repair associated; minus strand). Cytogenetic location: 17q21.31.
Variant type: single nucleotide variant.
Coding change: c.5407G>A on transcript NM_007294.4 (MANE Select); coding-DNA position 5407, G replaced by A.
Protein change: p.Gly1803Ser; replaces glycine 1803 with serine.
Molecular consequence: missense variant. On other transcripts: non-coding transcript variant (1).
Genome position (GRCh38, 1-based): chr17:43,047,703, C>T on the plus strand (G>A on the coding strand, the complement: BRCA1 is on the minus strand). VCF-style: chr17-43047703-C-T. GRCh37 (hg19) VCF-style: chr17-41199720-C-T.
Other names: c.5407G>A, p.Gly1803Ser (NM_001407605.1, NM_001407593.1, NM_001407594.1 and 5 more transcripts); c.5404G>A, p.Gly1802Ser (NM_001407610.1, NM_001407611.1, NM_001407612.1 and 14 more transcripts); c.5284G>A, p.Gly1762Ser (NM_001407669.1, NM_001407664.1, NM_001407665.1 and 3 more transcripts); c.5281G>A, p.Gly1761Ser (NM_001407670.1, NM_001407671.1, NM_001407672.1 and 8 more transcripts); c.5263G>A, p.Gly1755Ser (NM_001407752.1, NM_001407733.1, NM_001407734.1 and 18 more transcripts); c.5260G>A, p.Gly1754Ser (NM_001407838.1, NM_001407839.1, NM_001407841.1 and 12 more transcripts); c.4945G>A, p.Gly1649Ser (NM_001407964.1); c.4900G>A, p.Gly1634Ser (NM_001407965.1); and 83 more; short protein forms G1803S, G1756S, G674E, G1824S, G699S, G1507S, G1730E, G1731S.
Identifiers: ClinVar variation 232037 (VCV000232037.22), dbSNP rs876659510, ClinGen allele CA10580482.

ClinVar aggregate classification (germline): Conflicting classifications of pathogenicity. Review status: criteria provided, conflicting classifications (1 of 4 stars). 4 submissions from 4 submitters: Uncertain significance (3); Likely benign (1). Last evaluated 2026-09-11.

Conditions:
Hereditary cancer-predisposing syndrome. Also called: Tumor predisposition; Neoplastic Syndromes, Hereditary; Hereditary Cancer Syndrome; Hereditary neoplastic syndrome. Identifiers: Orphanet 140162, MedGen C0027672, MeSH D009386, MONDO:0015356.
Hereditary breast ovarian cancer syndrome. Also called: Hereditary breast and ovarian cancer; Hereditary breast and ovarian cancer syndrome (HBOC); Breast and ovarian cancer; BRCA1- and BRCA2-Associated Hereditary Breast and Ovarian Cancer; Hereditary breast and ovarian cancer syndrome; Hereditary breast and/or ovarian cancer syndrome. Identifiers: Orphanet 145, MedGen C0677776, MeSH D061325, MONDO:0003582. Disease mechanism: loss of function.

gnomAD v4.1: 1 of 1,614,114 alleles (0.000062%); highest among the groups gnomAD compares: Non-Finnish European, 0.000085%; no homozygotes.

Submissions (5):

Ambry Genetics
Classification: Likely benign for Hereditary cancer-predisposing syndrome. Last evaluated: 2026-09-11. Review status: criteria provided, single submitter. Criteria: Ambry Variant Classification Scheme 2023. Collection method: clinical testing. Allele origin: germline.

Labcorp Genetics (formerly Invitae), Labcorp
Classification: Uncertain significance for Hereditary breast ovarian cancer syndrome. Last evaluated: 2024-05-13. Review status: criteria provided, single submitter. Criteria: Invitae Variant Classification Sherloc (09022015). Collection method: clinical testing. Allele origin: germline.
Comment: This sequence change replaces glycine, which is neutral and non-polar, with serine, which is neutral and polar, at codon 1803 of the BRCA1 protein (p.Gly1803Ser). This variant is not present in population databases (gnomAD no frequency). This variant has not been reported in the literature in individuals affected with BRCA1-related conditions. ClinVar contains an entry for this variant (Variation ID: 232037). An algorithm developed to predict the effect of missense changes on protein structure and function (PolyPhen-2) suggests that this variant is likely to be tolerated. Algorithms developed to predict the effect of sequence changes on RNA splicing suggest that this variant may disrupt the consensus splice site. In summary, the available evidence is currently insufficient to determine the role of this variant in disease. Therefore, it has been classified as a Variant of Uncertain Significance.

Color Diagnostics, LLC DBA Color Health
Classification: Uncertain significance for Hereditary cancer-predisposing syndrome. Last evaluated: 2020-08-03. Review status: criteria provided, single submitter. Criteria: ACMG Guidelines, 2015. Collection method: clinical testing. Allele origin: germline.
Comment: This missense variant replaces glycine with serine at codon 1803 of the BRCA1 protein. Computational prediction is inconclusive regarding the impact of this variant on protein structure and function (internally defined REVEL score threshold 0.5 < inconclusive < 0.7, PMID: 27666373). To our knowledge, functional studies have not been reported for this variant. This variant has not been reported in individuals affected with hereditary cancer in the literature. This variant has not been identified in the general population by the Genome Aggregation Database (gnomAD). The available evidence is insufficient to determine the role of this variant in disease conclusively. Therefore, this variant is classified as a Variant of Uncertain Significance.

Women's Health and Genetics/Laboratory Corporation of America, LabCorp
Classification: Uncertain significance. Last evaluated: 2018-06-01. Review status: criteria provided, single submitter. Criteria: LabCorp Variant Classification Summary - May 2015. Collection method: clinical testing. Allele origin: germline.
Comment: Variant summary: BRCA1 c.5407G>A (p.Gly1803Ser) results in a non-conservative amino acid change located in the second C-terminal domain (BRCT domain (IPR001357)) of the encoded protein sequence. Three of five in-silico tools predict a damaging effect of the variant on protein function. The variant alters the first nucleotide of exon 22 and several computational tools predict a significant impact on normal splicing: four predict the variant weakens a 3 acceptor site. However, these predictions have yet to be confirmed by functional studies. The variant was absent in 121582 control chromosomes (in ExAC). The available data on variant occurrences in the general population are insufficient to allow any conclusion about variant significance. c.5407G>A has been reported in the literature in individuals affected with Hereditary Breast and Ovarian Cancer (Wagner 1999). This report does not provide unequivocal conclusions about association of the variant with Hereditary Breast and Ovarian Cancer. At least one publication reports experimental evidence evaluating an impact on protein function, however, it does not allow convincing conclusions about the variant effect (Findlay 2018). One clinical diagnostic laboratory has submitted clinical-significance assessments for this variant to ClinVar after 2014 without evidence for independent evaluation, and classified the variant as uncertain significance. Based on the evidence outlined above, the variant was classified as uncertain significance.

Brotman Baty Institute, University of Washington
No classification provided (evidence only). Condition: Breast-ovarian cancer, familial 1. Review status: no classification provided. Collection method: in vitro. Allele origin: not applicable. Functional consequence: functionally_normal. Not counted in ClinVar's aggregate classification.
ClinVar note: "not provided" was previously submitted as the classification for the variant. However, the classification appeared to be based only on an observation of functional data so it was converted to no classification on 2025-07-30.

Literature cited by the submitters: PubMed 30209399 (cited by Ambry Genetics); PubMed 10644434 (cited by Women's Health and Genetics/Laboratory Corporation of America, LabCorp).